The following is an entry in ClinVar:

ClinVar aggregate classification (germline): Uncertain significance (1 of 4 stars; one submission).

Submission:

Labcorp Genetics (formerly Invitae), Labcorp
Classification: Uncertain significance. Last evaluated: 2021-04-24. Review status: criteria provided, single submitter. Criteria: Invitae Variant Classification Sherloc (09022015). Collection method: clinical testing. Allele origin: germline.
Comment: In summary, the available evidence is currently insufficient to determine the role of this variant in disease. Therefore, it has been classified as a Variant of Uncertain Significance. Experimental studies and prediction algorithms are not available or were not evaluated, and the functional significance of this variant is currently unknown. This variant has not been reported in the literature in individuals with PSMB4-related conditions. This variant is not present in population databases (ExAC no frequency). This sequence change creates a premature translational stop signal (p.Tyr229*) in the PSMB4 gene. It is expected to result in an absent or disrupted protein product. However, the current clinical and genetic evidence is not sufficient to establish whether loss-of-function variants in PSMB4 cause disease.

NM_002796.3(PSMB4):c.687C>A (p.Tyr229Ter)

Gene: PSMB4 (proteasome 20S subunit beta 4; plus strand). Cytogenetic location: 1q21.3.
Variant type: single nucleotide variant.
Coding change: c.687C>A on transcript NM_002796.3 (MANE Select); coding-DNA position 687, C replaced by A.
Protein change: p.Tyr229Ter; replaces tyrosine 229 with a stop codon.
Molecular consequence: nonsense.
Genome position (GRCh38, 1-based): chr1:151,401,349, C>A. VCF-style: chr1-151401349-C-A. GRCh37 (hg19) VCF-style: chr1-151373825-C-A.
Other names: short protein forms Y229*.
Identifiers: ClinVar variation 1468448 (VCV001468448.6), dbSNP rs2102123136, ClinGen allele CA341927138.
Genomic context (GRCh38, chr1:151,401,349, plus strand): 5'-GGCCCGCGACTTAGTAGAACGCTGCATGCGAGTGCTGTACTACCGAGATGCCCGTTCTTA[C>A]AACCGGGTGAGGGATGTGCTGGGAACCTAATTGGCGGGCTCTGGCTACTTGCAATCCCTG-3'